The following is an entry in ClinVar:

NM_007294.4(BRCA1):c.1095del (p.Asp366fs)

Gene: BRCA1 (BRCA1 DNA repair associated; minus strand). Cytogenetic location: 17q21.31.
Variant type: Deletion.
Coding change: c.1095del on transcript NM_007294.4 (MANE Select); coding-DNA position 1095, one base deleted (A; older notation c.1095delA).
Protein change: p.Asp366fs; shifts the reading frame from aspartic acid 366.
Molecular consequence: frameshift variant. On other transcripts: intron variant (137).
Genome position (GRCh38, 1-based): chr17:43,094,436, T deleted on the plus strand (A on the coding strand, the reverse complement: BRCA1 is on the minus strand). VCF-style (leftmost placement, unchanged base first): chr17-43094435-CT-C. GRCh37 (hg19) VCF-style: chr17-41246452-CT-C.
Other names: c.646+308del (NM_001408454.1, NM_001408456.1, NM_001408458.1 and 11 more transcripts); c.706+308del (NM_001408413.1, NM_001408416.1); c.586+308del (NM_001408476.1, NM_001408474.1); c.709+308del (NM_001408409.1, NM_001408412.1, NM_001408414.1 and 2 more transcripts); c.574+308del (NM_001408493.1, NM_001408490.1, NM_001408491.1); c.454+308del (NM_001408502.1); c.667+1410del (NM_001408424.1, NM_001408431.1, NM_001408421.1); c.784+308del (NM_001408407.1, NM_001408402.1, NM_001408473.1 and 13 more transcripts); and 40 more; short protein forms D319fs, D366fs, D198fs, D238fs, D299fs, D318fs, D70fs, D277fs.
Identifiers: ClinVar variation 1069112 (VCV001069112.8), dbSNP rs2154476432, ClinGen allele CA2499224563.

ClinVar aggregate classification (germline): Pathogenic/Likely pathogenic. Review status: criteria provided, multiple submitters, no conflicts (2 of 4 stars). 2 submissions from 2 submitters: Pathogenic (1); Likely pathogenic (1). Last evaluated 2021-04-04.

Conditions:
Hereditary cancer-predisposing syndrome. Also called: Hereditary neoplastic syndrome; Tumor predisposition; Hereditary Cancer Syndrome; Neoplastic Syndromes, Hereditary. Identifiers: Orphanet 140162, MedGen C0027672, MeSH D009386, MONDO:0015356.
Hereditary breast ovarian cancer syndrome. Also called: Breast and ovarian cancer; BRCA1- and BRCA2-Associated Hereditary Breast and Ovarian Cancer; Hereditary breast and ovarian cancer syndrome; Hereditary breast and/or ovarian cancer syndrome; Hereditary breast and ovarian cancer; Hereditary breast and ovarian cancer syndrome (HBOC). Identifiers: Orphanet 145, MedGen C0677776, MeSH D061325, MONDO:0003582. Disease mechanism: loss of function.

Submissions (2):

Sema4
Classification: Likely pathogenic for Hereditary cancer-predisposing syndrome. Last evaluated: 2021-04-04. Review status: criteria provided, single submitter. Criteria: Sema4 Curation Guidelines. Collection method: curation. Allele origin: germline.
Comment: The BRCA1 c.1095delA (p.D366Ifs*8) variant has not been reported in the literature to our knowledge. This variant causes a frameshift at amino acid 366 that results in premature termination 8 amino acids downstream. At this location, this is predicted to cause nonsense-mediated decay and result in an absent protein (loss of function). Loss of function variants in BRCA1 are known to be pathogenic (PMID: 29446198). The c.1095delA was not observed in the Genome Aggregation Database (PMID: 32461654). The variant has not been reported in ClinVar. Based on the current evidence available, this variant is interpreted as likely pathogenic.

Labcorp Genetics (formerly Invitae), Labcorp
Classification: Pathogenic for Hereditary breast ovarian cancer syndrome. Last evaluated: 2020-08-01. Review status: criteria provided, single submitter. Criteria: Invitae Variant Classification Sherloc (09022015). Collection method: clinical testing. Allele origin: germline.
Comment: For these reasons, this variant has been classified as Pathogenic. Loss-of-function variants in BRCA1 are known to be pathogenic (PMID: 20104584). This variant has not been reported in the literature in individuals with BRCA1-related conditions. This variant is not present in population databases (ExAC no frequency). This sequence change creates a premature translational stop signal (p.Asp366Ilefs*8) in the BRCA1 gene. It is expected to result in an absent or disrupted protein product.

Literature cited by the submitters: PubMed 29446198 (cited by Sema4); PubMed 20104584 (cited by Labcorp Genetics (formerly Invitae), Labcorp).